The following is an entry in ClinVar:

ClinVar aggregate classification (germline): Uncertain significance. Review status: criteria provided, single submitter (1 of 4 stars). 2 submissions from 2 submitters: Uncertain significance (1). 1 of the submissions does not count toward it. Last evaluated 2022-08-15.

Conditions:
Neuromuscular disease caused by qualitative or quantitative defects of dysferlin. Also called: Dysferlinopathy; Qualitative or quantitative defects of dysferlin. Identifiers: Orphanet 207073, MedGen C2931687, MONDO:0016145.
Autosomal recessive limb-girdle muscular dystrophy type 2B (LGMDR2). Also called: Limb-girdle muscular dystrophy, type 2B; MUSCULAR DYSTROPHY, LIMB-GIRDLE, TYPE 3; MUSCULAR DYSTROPHY, LIMB-GIRDLE, AUTOSOMAL RECESSIVE 2; Limb-Girdle Muscular Dystrophy Type 2B (LGMD2B). Identifiers: Orphanet 268, MedGen C1850889, MONDO:0009676, OMIM 253601.

Allele frequency attached by ClinVar (database versions not stated): gnomAD 0.00001 and 0.00002; TOPMed 0.00001; ExAC 0.00002; gnomAD exomes 0.00002; ESP Exome Variant Server 0.00008.
gnomAD v4.1: 28 of 1,613,674 alleles (0.0017%); highest among the groups gnomAD compares: Non-Finnish European, 0.0023%; no homozygotes.

Submissions (2):

Labcorp Genetics (formerly Invitae), Labcorp
Classification: Uncertain significance for Neuromuscular disease caused by qualitative or quantitative defects of dysferlin. Last evaluated: 2022-08-15. Review status: criteria provided, single submitter. Criteria: Invitae Variant Classification Sherloc (09022015). Collection method: clinical testing. Allele origin: germline.
Comment: This sequence change replaces glycine, which is neutral and non-polar, with alanine, which is neutral and non-polar, at codon 1688 of the DYSF protein (p.Gly1688Ala). This variant is present in population databases (rs146153532, gnomAD 0.004%). This variant has not been reported in the literature in individuals affected with DYSF-related conditions. ClinVar contains an entry for this variant (Variation ID: 471316). Advanced modeling of protein sequence and biophysical properties (such as structural, functional, and spatial information, amino acid conservation, physicochemical variation, residue mobility, and thermodynamic stability) performed at Invitae indicates that this missense variant is expected to disrupt DYSF protein function. In summary, the available evidence is currently insufficient to determine the role of this variant in disease. Therefore, it has been classified as a Variant of Uncertain Significance.

Natera, Inc.
Classification: Uncertain significance for Limb-girdle muscular dystrophy type 2B. Last evaluated: 2019-10-28. Review status: no assertion criteria provided. Collection method: clinical testing. Allele origin: germline. Not counted in ClinVar's aggregate classification.

NM_001130987.2(DYSF):c.5180G>C (p.Gly1727Ala)

Gene: DYSF (dysferlin; plus strand). Cytogenetic location: 2p13.2.
Variant type: single nucleotide variant.
Coding change: c.5180G>C on transcript NM_001130987.2 (MANE Select); coding-DNA position 5180, G replaced by C.
Protein change: p.Gly1727Ala; replaces glycine 1727 with alanine.
Molecular consequence: missense variant.
Genome position (GRCh38, 1-based): chr2:71,665,167, G>C. VCF-style: chr2-71665167-G-C. GRCh37 (hg19) VCF-style: chr2-71892297-G-C.
Other names: c.5066G>C, p.Gly1689Ala (NM_001130455.2); c.5021G>C, p.Gly1674Ala (NM_001130976.2); c.5084G>C, p.Gly1695Ala (NM_001130977.2); c.5126G>C, p.Gly1709Ala (NM_001130978.2); c.5156G>C, p.Gly1719Ala (NM_001130979.2); c.5114G>C, p.Gly1705Ala (NM_001130980.2); c.5177G>C, p.Gly1726Ala (NM_001130981.2); c.5159G>C, p.Gly1720Ala (NM_001130982.2); and 5 more; short protein forms G1727A, G1688A, G1689A, G1695A, G1720A, G1674A, G1675A, G1719A.
Identifiers: ClinVar variation 471316 (VCV000471316.7), dbSNP rs146153532, ClinGen allele CA1707283.